The following is an entry in ClinVar:

ClinVar aggregate classification (germline): Benign/Likely benign. Review status: criteria provided, multiple submitters, no conflicts (2 of 4 stars). 2 submissions from 2 submitters: Benign (1); Likely benign (1). Last evaluated 2026-10-01.

Allele frequency attached by ClinVar (database versions not stated): gnomAD 0.00006 and 0.00016; TOPMed 0.00008; 1000 Genomes Project 30x 0.00016; 1000 Genomes Project 0.00020; gnomAD exomes 0.00026 and 0.00034; ExAC 0.00039.
gnomAD v4.1: 396 of 1,608,698 alleles (0.025%); highest among the groups gnomAD compares: South Asian, 0.26%; 2 homozygotes.

Submissions (2):

CeGaT Center for Human Genetics Tuebingen
Classification: Likely benign. Last evaluated: 2026-10-01. Review status: criteria provided, single submitter. Criteria: CeGaT Center For Human Genetics Tuebingen Variant Classification Criteria Version 2. Collection method: clinical testing. Allele origin: germline. Affected: yes. Observed: 2 variant alleles.
Comment: CAMK2B: BS1

Labcorp Genetics (formerly Invitae), Labcorp
Classification: Benign. Last evaluated: 2025-12-01. Review status: criteria provided, single submitter. Criteria: Invitae Variant Classification Sherloc (09022015). Collection method: clinical testing. Allele origin: germline.

NM_001220.5(CAMK2B):c.697-18C>T

Gene: CAMK2B (calcium/calmodulin dependent protein kinase II beta; minus strand). Cytogenetic location: 7p13.
Variant type: single nucleotide variant.
Coding change: c.697-18C>T on transcript NM_001220.5 (MANE Select); 18 bases into the intron before coding-DNA position 697, C replaced by T.
Molecular consequence: intron variant.
Genome position (GRCh38, 1-based): chr7:44,242,358, G>A on the plus strand (C>T on the coding strand, the complement: CAMK2B is on the minus strand). VCF-style: chr7-44242358-G-A. GRCh37 (hg19) VCF-style: chr7-44281957-G-A.
Other names: c.697-18C>T (NM_172084.3, NM_172080.3, NM_172083.3 and 5 more transcripts).
Identifiers: ClinVar variation 1660131 (VCV001660131.21), dbSNP rs537039052, ClinGen allele CA4240610.